The following is an entry in ClinVar:

NM_001242472.2(ZNF345):c.1308T>C (p.Tyr436=)

Genes: ZNF345 (zinc finger protein 345; plus strand), LOC126862898 (P300/CBP strongly-dependent group 1 enhancer GRCh37_chr19:37368334-37369533; plus strand). Cytogenetic location: 19q13.12.
Variant type: single nucleotide variant.
Coding change: c.1308T>C on transcript NM_001242472.2 (MANE Select); coding-DNA position 1308, T replaced by C.
Protein change: p.Tyr436=; no amino-acid change (tyrosine 436 retained).
Molecular consequence: synonymous variant.
Genome position (GRCh38, 1-based): chr19:36,878,138, T>C. VCF-style: chr19-36878138-T-C. GRCh37 (hg19) VCF-style: chr19-37369040-T-C.
Other names: c.1308T>C, p.Tyr436= (NM_001242474.2, NM_001242475.2, NM_001242476.2 and 1 more transcripts).
Identifiers: ClinVar variation 4084176 (VCV004084176.8).

ClinVar aggregate classification (germline): Likely benign (1 of 4 stars; one submission).

gnomAD v4.1: 179 of 1,614,136 alleles (0.011%); highest among the groups gnomAD compares: South Asian, 0.09%; no homozygotes.

Submission:

CeGaT Center for Human Genetics Tuebingen
Classification: Likely benign. Last evaluated: 2025-08-01. Review status: criteria provided, single submitter. Criteria: CeGaT Center For Human Genetics Tuebingen Variant Classification Criteria Version 2. Collection method: clinical testing. Allele origin: germline. Affected: yes. Observed: 1 variant allele.
Comment: ZNF345: BP4, BP7